The following is an entry in ClinVar:

ClinVar aggregate classification (germline): Uncertain significance (1 of 4 stars; one submission).

Submission:

Women's Health and Genetics/Laboratory Corporation of America, LabCorp
Classification: Uncertain significance. Last evaluated: 2023-06-22. Review status: criteria provided, single submitter. Criteria: LabCorp Variant Classification Summary - May 2015. Collection method: clinical testing. Allele origin: germline.
Comment: Variant summary: HECW2 c.244A>G (p.Ile82Val) results in a conservative amino acid change located in the C2 domain (IPR000008) of the encoded protein sequence. Three of five in-silico tools predict a damaging effect of the variant on protein function. The variant was absent in 251074 control chromosomes. The available data on variant occurrences in the general population are insufficient to allow any conclusion about variant significance. To our knowledge, no occurrence of c.244A>G in individuals affected with Neurodevelopmental Disorder With Hypotonia, Seizures, And Absent Language and no experimental evidence demonstrating its impact on protein function have been reported. No submitters have cited clinical-significance assessments for this variant to ClinVar after 2014. Based on the evidence outlined above, the variant was classified as uncertain significance.

NM_001348768.2(HECW2):c.244A>G (p.Ile82Val)

Gene: HECW2 (HECT, C2 and WW domain containing E3 ubiquitin protein ligase 2; minus strand). Cytogenetic location: 2q32.3.
Variant type: single nucleotide variant.
Coding change: c.244A>G on transcript NM_001348768.2 (MANE Select); coding-DNA position 244, A replaced by G.
Protein change: p.Ile82Val; replaces isoleucine 82 with valine.
Molecular consequence: missense variant.
Genome position (GRCh38, 1-based): chr2:196,433,180, T>C on the plus strand (A>G on the coding strand, the complement: HECW2 is on the minus strand). VCF-style: chr2-196433180-T-C. GRCh37 (hg19) VCF-style: chr2-197297904-T-C.
Other names: c.244A>G, p.Ile82Val (NM_020760.4); short protein forms I82V.
Identifiers: ClinVar variation 2573598 (VCV002573598.1), dbSNP rs2469495540, ClinGen allele CA350015881.
Genomic context (GRCh38, chr2:196,433,180, plus strand): 5'-CACTTGACTCACCTATATGATAAAGTCCAATCCAATCACTGGGGTCCACCTCCTCTTTAA[T>C]GTCCCAGAAGATAATGAGGTTCTGGGCTTGCCCCAGCGTGTACTCGTACATGCTGGCAGT-3'
Protein context (NP_001335697.1, residues 72-92): QAQNLIIFWD[Ile82Val]KEEVDPSDWI